The following is an entry in ClinVar:

NM_000312.4(PROC):c.246_247dup (p.Trp83fs)

Gene: PROC (protein C, inactivator of coagulation factors Va and VIIIa; plus strand). Cytogenetic location: 2q14.3.
Variant type: Duplication.
Coding change: c.246_247dup on transcript NM_000312.4 (MANE Select); coding-DNA positions 246 to 247, 2 bases duplicated (CT; older notation c.246_247dupCT).
Protein change: p.Trp83fs; shifts the reading frame from tryptophan 83.
Molecular consequence: frameshift variant.
Genome position (GRCh38, 1-based): chr2:127,422,925-127,422,926, CT duplicated; duplicating any 2 consecutive bases within chr2:127,422,924-127,422,926 gives the same sequence; the c. name uses the placement nearest the transcript's 3' end. VCF-style (leftmost placement, unchanged base first): chr2-127422923-T-TTC. GRCh37 (hg19) VCF-style: chr2-128180499-T-TTC.
Other names: c.222_223dup, p.Trp75fs (NM_001375609.1); c.240_241dup, p.Trp81fs (NM_001375610.1); c.246_247dup, p.Trp83fs (NM_001375611.1, NM_001375613.1, NM_001375605.1 and 1 more transcripts); c.429_430dup, p.Trp144fs (NM_001375602.1); c.309_310dup, p.Trp104fs (NM_001375603.1, NM_001375604.1, NM_001375606.1); c.330_331dup, p.Trp111fs (NM_001375607.1); short protein forms W104fs, W111fs, W144fs, W75fs, W81fs, W83fs.
Identifiers: ClinVar variation 5019961 (VCV005019961.2).

ClinVar aggregate classification (germline): Likely pathogenic (1 of 4 stars; one submission).

Conditions:
Thrombophilia due to protein C deficiency, autosomal dominant. Also called: PROC DEFICIENCY, AUTOSOMAL DOMINANT; PROTEIN C DEFICIENCY, AUTOSOMAL DOMINANT. Identifiers: Orphanet 745, MedGen C2674321, MONDO:0008316, OMIM 176860. Disease mechanism: loss of function.
Thrombophilia due to protein C deficiency, autosomal recessive. Also called: PROC DEFICIENCY, AUTOSOMAL RECESSIVE; PROTEIN C DEFICIENCY, AUTOSOMAL RECESSIVE. Identifiers: Orphanet 745, MedGen C2676759, MONDO:0012860, OMIM 612304.

Submission:

Juno Genomics, Hangzhou Juno Genomics, Inc
Classification: Likely pathogenic for Thrombophilia due to protein C deficiency, autosomal dominant; Thrombophilia due to protein C deficiency, autosomal recessive. Review status: criteria provided, single submitter. Criteria: ACMG Guidelines, 2015. Collection method: clinical testing. Allele origin: germline.
Comment: Absent from controls (or at extremely low frequency if recessive) in Genome Aggregation Database.;Null variant in a gene where loss of function (LOF) is a known mechanism of disease.